The following is an entry in ClinVar:

ClinVar aggregate classification (germline): Uncertain significance (1 of 4 stars; one submission).

Submission:

Labcorp Genetics (formerly Invitae), Labcorp
Classification: Uncertain significance. Last evaluated: 2024-06-03. Review status: criteria provided, single submitter. Criteria: Invitae Variant Classification Sherloc (09022015). Collection method: clinical testing. Allele origin: germline.
Comment: This sequence change replaces methionine, which is neutral and non-polar, with leucine, which is neutral and non-polar, at codon 754 of the ITGB4 protein (p.Met754Leu). This variant is not present in population databases (gnomAD no frequency). This variant has not been reported in the literature in individuals affected with ITGB4-related conditions. ClinVar contains an entry for this variant (Variation ID: 2135472). Advanced modeling of protein sequence and biophysical properties (such as structural, functional, and spatial information, amino acid conservation, physicochemical variation, residue mobility, and thermodynamic stability) performed at Invitae indicates that this missense variant is not expected to disrupt ITGB4 protein function with a negative predictive value of 80%. In summary, the available evidence is currently insufficient to determine the role of this variant in disease. Therefore, it has been classified as a Variant of Uncertain Significance.

NM_000213.5(ITGB4):c.2260A>T (p.Met754Leu)

Gene: ITGB4 (integrin subunit beta 4; plus strand). Cytogenetic location: 17q25.1.
Variant type: single nucleotide variant.
Coding change: c.2260A>T on transcript NM_000213.5 (MANE Select); coding-DNA position 2260, A replaced by T.
Protein change: p.Met754Leu; replaces methionine 754 with leucine.
Molecular consequence: missense variant.
Genome position (GRCh38, 1-based): chr17:75,739,885, A>T. VCF-style: chr17-75739885-A-T. GRCh37 (hg19) VCF-style: chr17-73735966-A-T.
Other names: c.2260A>T, p.Met754Leu (NM_001005619.2, NM_001005731.3, NM_001321123.2); short protein forms M754L.
Identifiers: ClinVar variation 2135472 (VCV002135472.4), dbSNP rs771030980, ClinGen allele CA401062731.